The following is an entry in ClinVar:

ClinVar aggregate classification (germline): Uncertain significance (1 of 4 stars; one submission).

Submission:

Labcorp Genetics (formerly Invitae), Labcorp
Classification: Uncertain significance. Last evaluated: 2022-07-25. Review status: criteria provided, single submitter. Criteria: Invitae Variant Classification Sherloc (09022015). Collection method: clinical testing. Allele origin: germline.
Comment: Algorithms developed to predict the effect of missense changes on protein structure and function (SIFT, PolyPhen-2, Align-GVGD) all suggest that this variant is likely to be tolerated. ClinVar contains an entry for this variant (Variation ID: 1482434). This variant has not been reported in the literature in individuals affected with RP1-related conditions. This variant is not present in population databases (gnomAD no frequency). This sequence change replaces serine, which is neutral and polar, with arginine, which is basic and polar, at codon 965 of the RP1 protein (p.Ser965Arg). In summary, the available evidence is currently insufficient to determine the role of this variant in disease. Therefore, it has been classified as a Variant of Uncertain Significance.

NM_006269.2(RP1):c.2895T>G (p.Ser965Arg)

Gene: RP1 (RP1 axonemal microtubule associated; plus strand). Cytogenetic location: 8q12.1.
Variant type: single nucleotide variant.
Coding change: c.2895T>G on transcript NM_006269.2 (MANE Select); coding-DNA position 2895, T replaced by G.
Protein change: p.Ser965Arg; replaces serine 965 with arginine.
Molecular consequence: missense variant. On other transcripts: intron variant (1).
Genome position (GRCh38, 1-based): chr8:54,626,777, T>G. VCF-style: chr8-54626777-T-G. GRCh37 (hg19) VCF-style: chr8-55539337-T-G.
Other names: c.787+4489T>G (NM_001375654.1); short protein forms S965R.
Identifiers: ClinVar variation 1482434 (VCV001482434.8), dbSNP rs536567969, ClinGen allele CA370994858.